The following is an entry in ClinVar:

NM_144573.4(NEXN):c.798del (p.Glu267fs)

Gene: NEXN (nexilin F-actin binding protein; plus strand). Cytogenetic location: 1p31.1.
Variant type: Deletion.
Coding change: c.798del on transcript NM_144573.4 (MANE Select); coding-DNA position 798, one base deleted (T; older notation c.798delT).
Protein change: p.Glu267fs; shifts the reading frame from glutamic acid 267.
Molecular consequence: frameshift variant.
Genome position (GRCh38, 1-based): chr1:77,926,826, T deleted. VCF-style (leftmost placement, unchanged base first): chr1-77926825-CT-C. GRCh37 (hg19) VCF-style: chr1-78392510-CT-C.
Other names: c.606del, p.Glu203fs (NM_001172309.2); short protein forms E267fs, E203fs.
Identifiers: ClinVar variation 2953278 (VCV002953278.3), dbSNP rs2523208787, ClinGen allele CA2740090534.

ClinVar aggregate classification (germline): Pathogenic (1 of 4 stars; one submission).

Conditions:
Hypertrophic cardiomyopathy 20. Identifiers: MedGen C3151267, MONDO:0013477, OMIM 613876.
Dilated cardiomyopathy 1CC (CMD1CC). Identifiers: Orphanet 154, MedGen C2751084, MONDO:0013147, OMIM 613122.

Submission:

Labcorp Genetics (formerly Invitae), Labcorp
Classification: Pathogenic for Dilated cardiomyopathy 1CC; Hypertrophic cardiomyopathy 20. Last evaluated: 2026-01-15. Review status: criteria provided, single submitter. Criteria: Invitae Variant Classification Sherloc (09022015). Collection method: clinical testing. Allele origin: germline.
Comment: This sequence change creates a premature translational stop signal (p.Glu267Lysfs*8) in the NEXN gene. It is expected to result in an absent or disrupted protein product. Loss-of-function variants in NEXN are known to be pathogenic (PMID: 19881492, 32058062, 32814711, 32870709, 33949776, 38059363, 40680702). This variant is not present in population databases (gnomAD no frequency). This variant has not been reported in the literature in individuals affected with NEXN-related conditions. ClinVar contains an entry for this variant (Variation ID: 2953278). For these reasons, this variant has been classified as Pathogenic.

Literature cited by the submitters: PubMed 19881492; PubMed 32058062; PubMed 32814711; PubMed 32870709; PubMed 33949776; PubMed 38059363; PubMed 40680702.